The following is an entry in ClinVar:

NM_018180.3(DHX32):c.464A>G (p.Glu155Gly)

Gene: DHX32 (DEAH-box helicase 32 (putative); minus strand). Cytogenetic location: 10q26.2.
Variant type: single nucleotide variant.
Coding change: c.464A>G on transcript NM_018180.3 (MANE Select); coding-DNA position 464, A replaced by G.
Protein change: p.Glu155Gly; replaces glutamic acid 155 with glycine.
Molecular consequence: missense variant.
Genome position (GRCh38, 1-based): chr10:125,867,002, T>C on the plus strand (A>G on the coding strand, the complement: DHX32 is on the minus strand). VCF-style: chr10-125867002-T-C. GRCh37 (hg19) VCF-style: chr10-127555571-T-C.
Other names: short protein forms E155G.
Identifiers: ClinVar variation 2086389 (VCV002086389.4), dbSNP rs758652773, ClinGen allele CA378679716.

ClinVar aggregate classification (germline): Uncertain significance (1 of 4 stars; one submission).

Submission:

Labcorp Genetics (formerly Invitae), Labcorp
Classification: Uncertain significance. Last evaluated: 2022-02-25. Review status: criteria provided, single submitter. Criteria: Invitae Variant Classification Sherloc (09022015). Collection method: clinical testing. Allele origin: germline.
Comment: In summary, the available evidence is currently insufficient to determine the role of this variant in disease. Therefore, it has been classified as a Variant of Uncertain Significance. Algorithms developed to predict the effect of missense changes on protein structure and function are either unavailable or do not agree on the potential impact of this missense change (SIFT: "Deleterious"; PolyPhen-2: "Possibly Damaging"; Align-GVGD: "Class C0"). This variant has not been reported in the literature in individuals affected with DHX32-related conditions. This variant is not present in population databases (gnomAD no frequency). This sequence change replaces glutamic acid, which is acidic and polar, with glycine, which is neutral and non-polar, at codon 155 of the DHX32 protein (p.Glu155Gly).